The following is an entry in ClinVar:

NM_000161.3(GCH1):c.627_628AC[1] (p.Met211fs)

Gene: GCH1 (GTP cyclohydrolase 1; minus strand). Cytogenetic location: 14q22.2.
Variant type: Microsatellite.
Coding change: c.627_628AC[1] on transcript NM_000161.3 (MANE Select).
Protein change: p.Met211fs; shifts the reading frame from methionine 211.
Molecular consequence: frameshift variant. On other transcripts: intron variant (2).
Genome position: GRCh38 VCF-style: chr14-54844138-ATG-A. GRCh37 (hg19) VCF-style: chr14-55310856-ATG-A.
Other names: c.627_628AC[1], p.Met211fs (NM_001024024.2); c.333_334AC[1], p.Met113Valfs (NM_001424105.1); c.627-1086_627-1085del (NM_001024071.2); c.627-271_627-270del (NM_001024070.2); short protein forms M211fs.
Identifiers: ClinVar variation 2578717 (VCV002578717.25), dbSNP rs2504336964, ClinGen allele CA2580618004.

ClinVar aggregate classification (germline): Likely pathogenic (1 of 4 stars; one submission).

Submission:

CeGaT Center for Human Genetics Tuebingen
Classification: Likely pathogenic. Last evaluated: 2023-08-01. Review status: criteria provided, single submitter. Criteria: CeGaT Center For Human Genetics Tuebingen Variant Classification Criteria Version 2. Collection method: clinical testing. Allele origin: germline. Affected: yes. Observed: 1 variant allele.
Comment: GCH1: PVS1:Strong, PM2, PP4